The following is an entry in ClinVar:

ClinVar aggregate classification (germline): Uncertain significance. Review status: criteria provided, multiple submitters, no conflicts (2 of 4 stars). 3 submissions from 2 submitters: Uncertain significance (3). Last evaluated 2022-08-10.

Conditions:
Autosomal recessive nonsyndromic hearing loss 31. Also called: WHIRLER, MOUSE, HOMOLOG OF. Identifiers: Orphanet 90636, MedGen C1846839, MONDO:0011767, OMIM 607084.
Usher syndrome type 2D. Also called: USHER SYNDROME, TYPE IID. Identifiers: Orphanet 231178, Orphanet 886, MedGen C1568249, MONDO:0012662, OMIM 611383.

Allele frequency attached by ClinVar (database versions not stated): TOPMed 0.00005; gnomAD 0.00006; ESP Exome Variant Server 0.00008; gnomAD exomes 0.00008 and 0.00012; ExAC 0.00018.
gnomAD v4.1: 138 of 1,613,998 alleles (0.0086%); highest among the groups gnomAD compares: Non-Finnish European, 0.0091%; no homozygotes.

Submissions (3):

Labcorp Genetics (formerly Invitae), Labcorp
Classification: Uncertain significance. Last evaluated: 2022-08-10. Review status: criteria provided, single submitter. Criteria: Invitae Variant Classification Sherloc (09022015). Collection method: clinical testing. Allele origin: germline.
Comment: This sequence change replaces lysine, which is basic and polar, with glutamic acid, which is acidic and polar, at codon 889 of the WHRN protein (p.Lys889Glu). This variant is present in population databases (rs200354989, gnomAD 0.02%). This variant has not been reported in the literature in individuals affected with WHRN-related conditions. ClinVar contains an entry for this variant (Variation ID: 912450). Algorithms developed to predict the effect of missense changes on protein structure and function are either unavailable or do not agree on the potential impact of this missense change (SIFT: "Tolerated"; PolyPhen-2: "Probably Damaging"; Align-GVGD: "Class C0"). In summary, the available evidence is currently insufficient to determine the role of this variant in disease. Therefore, it has been classified as a Variant of Uncertain Significance.

Illumina Laboratory Services, Illumina
Classification: Uncertain significance for Usher syndrome type 2D. Last evaluated: 2018-01-13. Review status: criteria provided, single submitter. Criteria: ICSL Variant Classification Criteria 13 December 2019. Collection method: clinical testing. Allele origin: germline.

Illumina Laboratory Services, Illumina
Classification: Uncertain significance for Autosomal recessive nonsyndromic hearing loss 31. Last evaluated: 2018-01-13. Review status: criteria provided, single submitter. Criteria: ICSL Variant Classification Criteria 13 December 2019. Collection method: clinical testing. Allele origin: germline.

NM_015404.4(WHRN):c.2665A>G (p.Lys889Glu)

Gene: WHRN (whirlin; minus strand). Cytogenetic location: 9q32.
Variant type: single nucleotide variant.
Coding change: c.2665A>G on transcript NM_015404.4 (MANE Select); coding-DNA position 2665, A replaced by G.
Protein change: p.Lys889Glu; replaces lysine 889 with glutamic acid.
Molecular consequence: missense variant.
Genome position (GRCh38, 1-based): chr9:114,402,813, T>C on the plus strand (A>G on the coding strand, the complement: WHRN is on the minus strand). VCF-style: chr9-114402813-T-C. GRCh37 (hg19) VCF-style: chr9-117165093-T-C.
Other names: c.1516A>G, p.Lys506Glu (NM_001083885.3); c.2662A>G, p.Lys888Glu (NM_001173425.2); c.1612A>G, p.Lys538Glu (NM_001346890.1); short protein forms K889E, K888E, K506E, K538E.
Identifiers: ClinVar variation 912450 (VCV000912450.8), dbSNP rs200354989, ClinGen allele CA5205558.